The following is an entry in ClinVar:

NM_000038.6(APC):c.1277C>A (p.Ala426Asp)

Gene: APC (APC regulator of Wnt signaling pathway; plus strand). Cytogenetic location: 5q22.2.
Variant type: single nucleotide variant.
Coding change: c.1277C>A on transcript NM_000038.6 (MANE Select); coding-DNA position 1277, C replaced by A.
Protein change: p.Ala426Asp; replaces alanine 426 with aspartic acid.
Molecular consequence: missense variant.
Genome position (GRCh38, 1-based): chr5:112,819,309, C>A. VCF-style: chr5-112819309-C-A. GRCh37 (hg19) VCF-style: chr5-112155006-C-A.
Other names: c.1277C>A, p.Ala426Asp (NM_001127510.3, NM_001354895.2, NM_001354896.2 and 4 more transcripts); c.1223C>A, p.Ala408Asp (NM_001127511.3); c.1307C>A, p.Ala436Asp (NM_001354897.2, NM_001407446.1); c.1202C>A, p.Ala401Asp (NM_001354898.2, NM_001407451.1); c.1193C>A, p.Ala398Asp (NM_001354899.2, NM_001407452.1); c.1100C>A, p.Ala367Asp (NM_001354900.2, NM_001354901.2, NM_001407453.1); c.1004C>A, p.Ala335Asp (NM_001354902.2); c.974C>A, p.Ala325Asp (NM_001354903.2, NM_001407454.1, NM_001407455.1 and 5 more transcripts); and 5 more; short protein forms A266D, A325D, A398D, A143D, A300D, A335D, A408D, A426D.
Identifiers: ClinVar variation 1766828 (VCV001766828.4), dbSNP rs1326984201, ClinGen allele CA16024102.

ClinVar aggregate classification (germline): Uncertain significance. Review status: criteria provided, multiple submitters, no conflicts (2 of 4 stars). 2 submissions from 2 submitters: Uncertain significance (2). Last evaluated 2024-11-22.

Conditions:
Hereditary cancer-predisposing syndrome. Also called: Hereditary Cancer Syndrome; Hereditary neoplastic syndrome; Neoplastic Syndromes, Hereditary; Tumor predisposition. Identifiers: Orphanet 140162, MedGen C0027672, MeSH D009386, MONDO:0015356.

Submissions (2):

Ambry Genetics
Classification: Uncertain significance for Hereditary cancer-predisposing syndrome. Last evaluated: 2024-11-22. Review status: criteria provided, single submitter. Criteria: Ambry Variant Classification Scheme 2023. Collection method: clinical testing. Allele origin: germline.
Comment: The p.A426D variant (also known as c.1277C>A), located in coding exon 9 of the APC gene, results from a C to A substitution at nucleotide position 1277. The alanine at codon 426 is replaced by aspartic acid, an amino acid with dissimilar properties. This amino acid position is well conserved in available vertebrate species. In addition, in silico predictors for this gene do not accurately predict pathogenicity. Missense alterations in APC are not a common cause of disease (Spier I et al. Genet Med. 2024 Feb;26(2):100992). Based on the available evidence, the clinical significance of this variant remains unclear.

Blueprint Genetics
Classification: Uncertain significance. Last evaluated: 2024-05-28. Review status: criteria provided, single submitter. Criteria: ACMG Guidelines, 2015. Collection method: clinical testing. Allele origin: germline.